The following is an entry in ClinVar:

ClinVar aggregate classification (germline): Uncertain significance (1 of 4 stars; one submission).

Conditions:
Symmetrical dyschromatosis of extremities (DSH). Also called: DYSCHROMATOSIS SYMMETRICA HEREDITARIA 1; RETICULATE ACROPIGMENTATION OF DOHI; SYMMETRIC DYSCHROMATOSIS OF THE EXTREMITIES; Dyschromatosis symmetrica hereditaria. Identifiers: Orphanet 41, MedGen C0406775, MONDO:0007483, OMIM 127400.
Aicardi-Goutieres syndrome 6 (AGS6). Identifiers: Orphanet 51, MedGen C3539013, MONDO:0014007, OMIM 615010.

Allele frequency attached by ClinVar (database versions not stated): gnomAD exomes below 0.00001.

Submission:

Labcorp Genetics (formerly Invitae), Labcorp
Classification: Uncertain significance for Aicardi-Goutieres syndrome 6; Symmetrical dyschromatosis of extremities. Last evaluated: 2021-03-08. Review status: criteria provided, single submitter. Criteria: Invitae Variant Classification Sherloc (09022015). Collection method: clinical testing. Allele origin: germline.
Comment: This variant is not present in population databases (ExAC no frequency). In summary, the available evidence is currently insufficient to determine the role of this variant in disease. Therefore, it has been classified as a Variant of Uncertain Significance. Algorithms developed to predict the effect of missense changes on protein structure and function output the following: SIFT: "Tolerated"; PolyPhen-2: "Not Available"; Align-GVGD: "Class C0". The glycine amino acid residue is found in multiple mammalian species, suggesting that this missense change does not adversely affect protein function. These predictions have not been confirmed by published functional studies and their clinical significance is uncertain. This variant has not been reported in the literature in individuals with ADAR-related conditions. This sequence change replaces serine with glycine at codon 264 of the ADAR protein (p.Ser264Gly). The serine residue is weakly conserved and there is a small physicochemical difference between serine and glycine.

NM_001111.5(ADAR):c.790A>G (p.Ser264Gly)

Gene: ADAR (adenosine deaminase RNA specific; minus strand). Cytogenetic location: 1q21.3.
Variant type: single nucleotide variant.
Coding change: c.790A>G on transcript NM_001111.5 (MANE Select); coding-DNA position 790, A replaced by G.
Protein change: p.Ser264Gly; replaces serine 264 with glycine.
Molecular consequence: missense variant. On other transcripts: 5 prime UTR variant (6).
Genome position (GRCh38, 1-based): chr1:154,601,852, T>C on the plus strand (A>G on the coding strand, the complement: ADAR is on the minus strand). VCF-style: chr1-154601852-T-C. GRCh37 (hg19) VCF-style: chr1-154574328-T-C.
Other names: c.-96A>G (NM_001025107.3, NM_001193495.2, NM_001365046.1 and 3 more transcripts); c.817A>G, p.Ser273Gly (NM_001365045.1); c.790A>G, p.Ser264Gly (NM_015840.4, NM_015841.4); short protein forms S264G, S273G.
Identifiers: ClinVar variation 1514941 (VCV001514941.8), dbSNP rs1451687174, ClinGen allele CA342599987.